The following is an entry in ClinVar:

ClinVar aggregate classification (germline): Uncertain significance. Review status: criteria provided, multiple submitters, no conflicts (2 of 4 stars). 5 submissions from 5 submitters: Uncertain significance (5). Last evaluated 2025-12-08.

Conditions:
TJP2-related disorder. Also called: TJP2-related condition.
Cholestasis, progressive familial intrahepatic, 4. Identifiers: Orphanet 480483, Orphanet 79304, MedGen C2931067, MONDO:0014381, OMIM 615878.
Hypercholanemia, familial 1 (FHCA1). Identifiers: Orphanet 238475, MedGen C5542604, MONDO:0031446, OMIM 607748.

Allele frequency attached by ClinVar (database versions not stated): ExAC 0.00004; gnomAD 0.00004; gnomAD exomes 0.00004 and 0.00007; TOPMed 0.00004.
gnomAD v4.1: 64 of 1,614,064 alleles (0.004%); highest among the groups gnomAD compares: Middle Eastern, 0.033%; no homozygotes.

Submissions (5):

PreventionGenetics, part of Exact Sciences
Classification: Uncertain significance for TJP2-related condition. Last evaluated: 2025-12-08. Review status: criteria provided, single submitter. Criteria: ACMG Guidelines, 2015. Collection method: clinical testing. Allele origin: germline.
Comment: The TJP2 c.1576G>T variant is predicted to result in the amino acid substitution p.Ala526Ser. To our knowledge, this variant has not been reported in the literature. This variant is reported in 0.020% of alleles in individuals of Ashkenazi Jewish descent in gnomAD. At this time, the clinical significance of this variant is uncertain due to the absence of conclusive functional and genetic evidence.

Labcorp Genetics (formerly Invitae), Labcorp
Classification: Uncertain significance. Last evaluated: 2024-08-13. Review status: criteria provided, single submitter. Criteria: Invitae Variant Classification Sherloc (09022015). Collection method: clinical testing. Allele origin: germline.
Comment: This sequence change replaces alanine, which is neutral and non-polar, with serine, which is neutral and polar, at codon 526 of the TJP2 protein (p.Ala526Ser). This variant is present in population databases (rs746223152, gnomAD 0.02%). This variant has not been reported in the literature in individuals affected with TJP2-related conditions. ClinVar contains an entry for this variant (Variation ID: 597158). Advanced modeling of protein sequence and biophysical properties (such as structural, functional, and spatial information, amino acid conservation, physicochemical variation, residue mobility, and thermodynamic stability) has been performed at Invitae for this missense variant, however the output from this modeling did not meet the statistical confidence thresholds required to predict the impact of this variant on TJP2 protein function. In summary, the available evidence is currently insufficient to determine the role of this variant in disease. Therefore, it has been classified as a Variant of Uncertain Significance.

GeneDx
Classification: Uncertain significance. Last evaluated: 2024-05-20. Review status: criteria provided, single submitter. Criteria: GeneDx Variant Classification Process June 2021. Collection method: clinical testing. Allele origin: germline. Affected: yes.
Comment: In silico analysis supports that this missense variant has a deleterious effect on protein structure/function; Has not been previously published as pathogenic or benign to our knowledge

Fulgent Genetics
Classification: Uncertain significance for Hypercholanemia, familial 1; Cholestasis, progressive familial intrahepatic, 4. Last evaluated: 2021-07-16. Review status: criteria provided, single submitter. Criteria: ACMG Guidelines, 2015. Collection method: clinical testing. Allele origin: unknown.

Eurofins Ntd Llc (ga)
Classification: Uncertain significance. Last evaluated: 2018-05-10. Review status: criteria provided, single submitter. Criteria: EGL ClinVar v180209 classification definitions. Collection method: clinical testing. Allele origin: germline. Observed: 1 variant allele, 1 heterozygote.

NM_004817.4(TJP2):c.1576G>T (p.Ala526Ser)

Gene: TJP2 (tight junction protein 2; plus strand). Cytogenetic location: 9q21.11.
Variant type: single nucleotide variant.
Coding change: c.1576G>T on transcript NM_004817.4 (MANE Select); coding-DNA position 1576, G replaced by T.
Protein change: p.Ala526Ser; replaces alanine 526 with serine.
Molecular consequence: missense variant.
Genome position (GRCh38, 1-based): chr9:69,230,137, G>T. VCF-style: chr9-69230137-G-T. GRCh37 (hg19) VCF-style: chr9-71845053-G-T.
Other names: c.1576G>T, p.Ala526Ser (LRG_1201t1, NM_001369872.1, NM_001369873.1 and 1 more transcripts); c.1507G>T, p.Ala503Ser (NM_001170414.2, NM_001369871.1); c.1588G>T, p.Ala530Ser (NM_001170415.1, NM_001369874.1, NM_001369875.1); c.1669G>T, p.Ala557Ser (NM_001170416.2); c.1501G>T, p.Ala501Ser (NM_001369870.1); c.1576G>T (NM_004817.3); short protein forms A526S, A503S, A530S, A557S, A501S.
Identifiers: ClinVar variation 597158 (VCV000597158.13), dbSNP rs746223152, ClinGen allele CA5073374.